The following is an entry in ClinVar:

ClinVar aggregate classification (germline): Uncertain significance (1 of 4 stars; one submission).

Submission:

Labcorp Genetics (formerly Invitae), Labcorp
Classification: Uncertain significance. Last evaluated: 2025-12-06. Review status: criteria provided, single submitter. Criteria: Invitae Variant Classification Sherloc (09022015). Collection method: clinical testing. Allele origin: germline.
Comment: This sequence change replaces glutamine, which is neutral and polar, with arginine, which is basic and polar, at codon 2263 of the POLE protein (p.Gln2263Arg). This variant is not present in population databases (gnomAD no frequency). This variant has not been reported in the literature in individuals affected with POLE-related conditions. Invitae Evidence Modeling of protein sequence and biophysical properties (such as structural, functional, and spatial information, amino acid conservation, physicochemical variation, residue mobility, and thermodynamic stability) indicates that this missense variant is not expected to disrupt POLE protein function with a negative predictive value of 80%. In summary, the available evidence is currently insufficient to determine the role of this variant in disease. Therefore, it has been classified as a Variant of Uncertain Significance.

NM_006231.4(POLE):c.6788A>G (p.Gln2263Arg)

Gene: POLE (DNA polymerase epsilon, catalytic subunit; minus strand). Cytogenetic location: 12q24.33.
Variant type: single nucleotide variant.
Coding change: c.6788A>G on transcript NM_006231.4 (MANE Select); coding-DNA position 6788, A replaced by G.
Protein change: p.Gln2263Arg; replaces glutamine 2263 with arginine.
Molecular consequence: missense variant.
Genome position (GRCh38, 1-based): chr12:132,624,770, T>C on the plus strand (A>G on the coding strand, the complement: POLE is on the minus strand). VCF-style: chr12-132624770-T-C. GRCh37 (hg19) VCF-style: chr12-133201356-T-C.
Other names: short protein forms Q2263R.
Identifiers: ClinVar variation 4742027 (VCV004742027.1).